The following is an entry in ClinVar:

NM_147127.5(EVC2):c.437_438del (p.Ile146fs)

Gene: EVC2 (EvC ciliary complex subunit 2; minus strand). Cytogenetic location: 4p16.2.
Variant type: Microsatellite.
Coding change: c.437_438del on transcript NM_147127.5 (MANE Select); coding-DNA positions 437 to 438, 2 bases deleted (TA; older notation c.437_438delTA).
Protein change: p.Ile146fs; shifts the reading frame from isoleucine 146.
Molecular consequence: frameshift variant.
Genome position (GRCh38, 1-based): chr4:5,694,347-5,694,348, TA deleted on the plus strand (TA on the coding strand, the reverse complement: EVC2 is on the minus strand); deleting any 2 consecutive bases within chr4:5,694,347-5,694,350 gives the same sequence; the c. name uses the placement nearest the transcript's 3' end. VCF-style (leftmost placement, unchanged base first): chr4-5694346-TTA-T. GRCh37 (hg19) VCF-style: chr4-5696073-TTA-T.
Other names: c.197_198del, p.Ile66fs (NM_001166136.2); short protein forms I146fs, I66fs.
Identifiers: ClinVar variation 1726907 (VCV001726907.2), dbSNP rs2474100239, ClinGen allele CA2580616064.

ClinVar aggregate classification (germline): Likely pathogenic (1 of 4 stars; one submission).

Conditions:
Ellis-van Creveld syndrome (EVC). Also called: EVC-Related Ellis-van Creveld Syndrome; EVC2-Related Ellis-van Creveld Syndrome; MESOECTODERMAL DYSPLASIA; Chondroectodermal dysplasia. Identifiers: Orphanet 289, MedGen C0013903, MONDO:0009162, OMIM 225500.

Submission:

Myriad Genetics, Inc.
Classification: Likely pathogenic for Ellis-van Creveld syndrome. Last evaluated: 2022-01-02. Review status: criteria provided, single submitter. Criteria: Myriad Women's Health Autosomal Recessive and X-Linked Classification Criteria (2021). Collection method: clinical testing. Allele origin: unknown.
Comment: NM_147127.4(EVC2):c.437_438delTA(I146Nfs*17) is expected to be pathogenic in the context of EVC2-related Ellis-van Creveld syndrome. This variant is predicted to lead to an abnormal or absent protein product due to the creation of a premature termination codon in EVC2, a gene where loss-of-function variants are known to be pathogenic. Please note: this variant was assessed in the context of healthy population screening.